The following is an entry in ClinVar:

ClinVar aggregate classification (germline): Likely benign. Review status: criteria provided, single submitter (1 of 4 stars). 2 submissions from 2 submitters: Likely benign (1). 1 of the submissions does not count toward it. Last evaluated 2024-11-21.

Conditions:
Episodic ataxia type 2 (EA2). Also called: ATAXIA, EPISODIC, WITH NYSTAGMUS; ATAXIA, FAMILIAL PAROXYSMAL; CEREBELLAR ATAXIA, PAROXYSMAL, ACETAZOLAMIDE-RESPONSIVE; CEREBELLOPATHY, HEREDITARY PAROXYSMAL; EPISODIC ATAXIA, NYSTAGMUS-ASSOCIATED; ACETAZOLAMIDE-RESPONSIVE HEREDITARY PAROXYSMAL CEREBELLAR ATAXIA. Identifiers: Orphanet 97, MedGen C1720416, MONDO:0007163, OMIM 108500.
Developmental and epileptic encephalopathy, 42 (DEE42A). Also called: Epileptic encephalopathy, early infantile, 42; DEVELOPMENTAL AND EPILEPTIC ENCEPHALOPATHY 42A; EPILEPTIC ENCEPHALOPATHY, EARLY INFANTILE, 42A. Identifiers: MedGen C4310716, MONDO:0014917, OMIM 617106.
CACNA1A-related disorder. Also called: CACNA1A-related condition.

Allele frequency attached by ClinVar (database versions not stated): TOPMed below 0.00001; gnomAD 0.00001.
gnomAD v4.1: 7 of 1,605,346 alleles (0.00044%); highest among the groups gnomAD compares: Non-Finnish European, 0.000085%; no homozygotes.

Submissions (2):

Labcorp Genetics (formerly Invitae), Labcorp
Classification: Likely benign for Developmental and epileptic encephalopathy, 42; Episodic ataxia type 2. Last evaluated: 2024-11-21. Review status: criteria provided, single submitter. Criteria: Invitae Variant Classification Sherloc (09022015). Collection method: clinical testing. Allele origin: germline.

PreventionGenetics, part of Exact Sciences
Classification: Likely benign for CACNA1A-related condition. Last evaluated: 2019-03-25. Review status: no assertion criteria provided. Collection method: clinical testing. Allele origin: germline. Not counted in ClinVar's aggregate classification.
Comment: This variant is classified as likely benign based on ACMG/AMP sequence variant interpretation guidelines (Richards et al. 2015 PMID: 25741868, with internal and published modifications).

NM_001127222.2(CACNA1A):c.1362A>T (p.Arg454=)

Gene: CACNA1A (calcium voltage-gated channel subunit alpha1 A; minus strand). Cytogenetic location: 19p13.13.
Variant type: single nucleotide variant.
Coding change: c.1362A>T on transcript NM_001127222.2 (MANE Select); coding-DNA position 1362, A replaced by T.
Protein change: p.Arg454=; no amino-acid change (arginine 454 retained).
Molecular consequence: synonymous variant.
Genome position (GRCh38, 1-based): chr19:13,317,305, T>A on the plus strand (A>T on the coding strand, the complement: CACNA1A is on the minus strand). VCF-style: chr19-13317305-T-A. GRCh37 (hg19) VCF-style: chr19-13428119-T-A.
Other names: c.1365A>T, p.Arg455= (NM_000068.4, NM_001127221.2, NM_001174080.2 and 1 more transcripts).
Identifiers: ClinVar variation 3047239 (VCV003047239.4), dbSNP rs2058147125, ClinGen allele CA505662442.